The following is an entry in ClinVar:

ClinVar aggregate classification (germline): Uncertain significance (1 of 4 stars; one submission).

Conditions:
Catecholaminergic polymorphic ventricular tachycardia 1. Also called: VENTRICULAR TACHYCARDIA, CATECHOLAMINERGIC POLYMORPHIC, 1, WITH OR WITHOUT ATRIAL DYSFUNCTION AND/OR DILATED CARDIOMYOPATHY; RYR2-Related Catecholaminergic Polymorphic Ventricular Tachycardia; VENTRICULAR TACHYCARDIA, STRESS-INDUCED POLYMORPHIC 1. Identifiers: Orphanet 3286, MedGen C1631597, MONDO:0011484, OMIM 604772.

Allele frequency attached by ClinVar (database versions not stated): gnomAD exomes below 0.00001.
gnomAD v4.1: 1 of 1,590,038 alleles (0.000063%); highest among the groups gnomAD compares: African/African-American, 0.0013%; no homozygotes.

Submission:

Labcorp Genetics (formerly Invitae), Labcorp
Classification: Uncertain significance for Catecholaminergic polymorphic ventricular tachycardia 1. Last evaluated: 2022-08-05. Review status: criteria provided, single submitter. Criteria: Invitae Variant Classification Sherloc (09022015). Collection method: clinical testing. Allele origin: germline.
Comment: In summary, the available evidence is currently insufficient to determine the role of this variant in disease. Therefore, it has been classified as a Variant of Uncertain Significance. Advanced modeling of protein sequence and biophysical properties (such as structural, functional, and spatial information, amino acid conservation, physicochemical variation, residue mobility, and thermodynamic stability) performed at Invitae indicates that this missense variant is not expected to disrupt RYR2 protein function. This variant has not been reported in the literature in individuals affected with RYR2-related conditions. This variant is not present in population databases (gnomAD no frequency). This sequence change replaces histidine, which is basic and polar, with arginine, which is basic and polar, at codon 3572 of the RYR2 protein (p.His3572Arg).

NM_001035.3(RYR2):c.10715A>G (p.His3572Arg)

Gene: RYR2 (ryanodine receptor 2; plus strand). Cytogenetic location: 1q43.
Variant type: single nucleotide variant.
Coding change: c.10715A>G on transcript NM_001035.3 (MANE Select); coding-DNA position 10715, A replaced by G.
Protein change: p.His3572Arg; replaces histidine 3572 with arginine.
Molecular consequence: missense variant.
Genome position (GRCh38, 1-based): chr1:237,726,298, A>G. VCF-style: chr1-237726298-A-G. GRCh37 (hg19) VCF-style: chr1-237889598-A-G.
Other names: short protein forms H3572R.
Identifiers: ClinVar variation 2079253 (VCV002079253.4), dbSNP rs2526984942, ClinGen allele CA345416744.